The following is an entry in ClinVar:

NM_004284.6(CHD1L):c.1706-6del

Gene: CHD1L (chromodomain helicase DNA binding protein 1 like; plus strand). Cytogenetic location: 1q21.1.
Variant type: Deletion.
Coding change: c.1706-6del on transcript NM_004284.6 (MANE Select); 6 bases into the intron before coding-DNA position 1706, one base deleted (T; older notation c.1706-6delT).
Molecular consequence: intron variant.
Genome position (GRCh38, 1-based): chr1:147,284,345, T deleted; the last of 2 consecutive T bases (chr1:147,284,344-147,284,345); deleting either gives the same sequence. VCF-style (leftmost placement, unchanged base first): chr1-147284343-GT-G. GRCh37 (hg19) VCF-style: chr1-146756016-GT-G.
Other names: c.1490-6del (NM_001348451.2, NM_001348452.2); c.863-6del (NM_001348462.2, NM_001348460.2, NM_001348465.2 and 9 more transcripts); c.1217-6del (NM_001348455.2); c.1367-6del (NM_024568.4, NM_001348453.2); c.1406-6del (NM_001256336.3); c.1250-6del (NM_001348454.2); c.1094-6del (NM_001256338.3).
Identifiers: ClinVar variation 3031878 (VCV003031878.2), dbSNP rs782033435, ClinGen allele CA1063815.

ClinVar aggregate classification (germline): Likely benign (0 of 4 stars; one submission).

Conditions:
CHD1L-related disorder. Also called: CHD1L-related condition.

Submission:

PreventionGenetics, part of Exact Sciences
Classification: Likely benign for CHD1L-related condition. Last evaluated: 2021-11-04. Review status: no assertion criteria provided. Collection method: clinical testing. Allele origin: germline.
Comment: This variant is classified as likely benign based on ACMG/AMP sequence variant interpretation guidelines (Richards et al. 2015 PMID: 25741868, with internal and published modifications).